The following is an entry in ClinVar:

ClinVar aggregate classification (germline): Uncertain significance (1 of 4 stars; one submission).

Conditions:
Congenital muscular hypertrophy-cerebral syndrome (CDLS2). Also called: SMC1A-Related Cornelia de Lange Syndrome; Cornelia de Lange syndrome 2. Identifiers: Orphanet 199, MedGen C1802395, MONDO:0010370, OMIM 300590.

Submission:

Labcorp Genetics (formerly Invitae), Labcorp
Classification: Uncertain significance for Congenital muscular hypertrophy-cerebral syndrome. Last evaluated: 2024-01-22. Review status: criteria provided, single submitter. Criteria: Invitae Variant Classification Sherloc (09022015). Collection method: clinical testing. Allele origin: germline.
Comment: This sequence change replaces valine, which is neutral and non-polar, with leucine, which is neutral and non-polar, at codon 963 of the SMC1A protein (p.Val963Leu). This variant is not present in population databases (gnomAD no frequency). This variant has not been reported in the literature in individuals affected with SMC1A-related conditions. ClinVar contains an entry for this variant (Variation ID: 1496430). Advanced modeling of protein sequence and biophysical properties (such as structural, functional, and spatial information, amino acid conservation, physicochemical variation, residue mobility, and thermodynamic stability) performed at Invitae indicates that this missense variant is not expected to disrupt SMC1A protein function with a negative predictive value of 95%. In summary, the available evidence is currently insufficient to determine the role of this variant in disease. Therefore, it has been classified as a Variant of Uncertain Significance.

NM_006306.4(SMC1A):c.2887G>C (p.Val963Leu)

Gene: SMC1A (structural maintenance of chromosomes 1A; minus strand). Cytogenetic location: Xp11.22.
Variant type: single nucleotide variant.
Coding change: c.2887G>C on transcript NM_006306.4 (MANE Select); coding-DNA position 2887, G replaced by C.
Protein change: p.Val963Leu; replaces valine 963 with leucine.
Molecular consequence: missense variant.
Genome position (GRCh38, 1-based): chrX:53,394,864, C>G on the plus strand (G>C on the coding strand, the complement: SMC1A is on the minus strand). VCF-style: chrX-53394864-C-G. GRCh37 (hg19) VCF-style: chrX-53421784-C-G.
Other names: c.2821G>C, p.Val941Leu (NM_001281463.1); short protein forms V941L, V963L.
Identifiers: ClinVar variation 1496430 (VCV001496430.8), dbSNP rs2146592426, ClinGen allele CA413247501.